The following is an entry in ClinVar:

NM_000512.5(GALNS):c.1043C>A (p.Thr348Asn)

Gene: GALNS (galactosamine (N-acetyl)-6-sulfatase; minus strand). Cytogenetic location: 16q24.3.
Variant type: single nucleotide variant.
Coding change: c.1043C>A on transcript NM_000512.5 (MANE Select); coding-DNA position 1043, C replaced by A.
Protein change: p.Thr348Asn; replaces threonine 348 with asparagine.
Molecular consequence: missense variant.
Genome position (GRCh38, 1-based): chr16:88,826,798, G>T on the plus strand (C>A on the coding strand, the complement: GALNS is on the minus strand). VCF-style: chr16-88826798-G-T. GRCh37 (hg19) VCF-style: chr16-88893206-G-T.
Other names: c.488C>A, p.Thr163Asn (NM_001323543.2); c.1061C>A, p.Thr354Asn (NM_001323544.2); short protein forms T163N, T348N, T354N.
Identifiers: ClinVar variation 1048486 (VCV001048486.3), dbSNP rs368305568, ClinGen allele CA397098504.

ClinVar aggregate classification (germline): Uncertain significance (1 of 4 stars; one submission).

Conditions:
Mucopolysaccharidosis, MPS-IV-A (MPS4A). Also called: Mucopolysaccharidosis type IV A; Mucopolysaccharidosis Type IVA; Morquio syndrome A, mild; MORQUIO SYNDROME A; MPS IVA; mucopolysaccharidosis type 4A. Identifiers: Orphanet 309297, Orphanet 582, MedGen C0086651, MONDO:0009659, OMIM 253000.

Allele frequency attached by ClinVar (database versions not stated): gnomAD exomes below 0.00001.
gnomAD v4.1: 1 of 1,598,230 alleles (0.000063%); highest among the groups gnomAD compares: Non-Finnish European, 0.000085%; no homozygotes.

Submission:

Laboratory of Diagnosis and Therapy of Lysosomal Disorders, University of Padova
Classification: Uncertain significance for Mucopolysaccharidosis, MPS-IV-A. Last evaluated: 2021-02-01. Review status: criteria provided, single submitter. Criteria: ACMG Guidelines, 2015. Collection method: curation. Allele origin: germline. Affected: yes.
Comment: In vivo functional studies supportive of a damaging effect on the gene product (low to null enzymatic activity in homozygotes; PS3_supporting); absent from gnomAD v2.1.1 (PM2_moderate); multiple lines of computational evidence support a deleterious effect on the gene (PP3_supporting)

Literature cited by the submitters: PubMed 25545067; PubMed 34387910.